The following is an entry in ClinVar:

ClinVar aggregate classification (germline): Conflicting classifications of pathogenicity. Review status: criteria provided, conflicting classifications (1 of 4 stars). 4 submissions from 4 submitters: Likely pathogenic (1); Uncertain significance (3). Last evaluated 2026-07-20.

Conditions:
Niemann-Pick disease, type B. Also called: Chronic Visceral ASMD (Niemann-Pick Disease Type B; NPD-B). Identifiers: Orphanet 77293, MedGen C0268243, MONDO:0011871, OMIM 607616. Disease mechanism: loss of function.
Niemann-Pick disease, type A. Also called: Infantile Neurovisceral ASMD (Niemann-Pick Disease Type A; NPD-A); SPHINGOMYELIN LIPIDOSIS; SPHINGOMYELINASE DEFICIENCY. Identifiers: Orphanet 77292, MedGen C0268242, MONDO:0009756, OMIM 257200. Disease mechanism: loss of function.
SMPD1-related disorder. Also called: SMPD1-related condition.

Allele frequency attached by ClinVar (database versions not stated): ExAC 0.00003; gnomAD 0.00003; ESP Exome Variant Server 0.00008.
gnomAD v4.1: 65 of 1,608,626 alleles (0.004%); highest among the groups gnomAD compares: African/African-American, 0.0053%; no homozygotes.

Submissions (4):

PreventionGenetics, part of Exact Sciences
Classification: Uncertain significance for SMPD1-related condition. Last evaluated: 2026-07-20. Review status: criteria provided, single submitter. Criteria: ACMG Guidelines, 2015. Collection method: clinical testing. Allele origin: germline.
Comment: The SMPD1 c.1829G>A variant is predicted to result in the amino acid substitution p.Arg610His. This variant was reported in an individuals with Parkinson's disease (Zhao et al 2021. PubMed ID: 34867278; Alcalay et al 2019. PubMed ID: 30788890) and in a patient with acid sphingomyelinase deficiency (ASMD) (Sechi et al 2021. PubMed ID: 34660203). This variant is reported in 0.0081% of alleles in individuals of African descent in gnomAD. Although we suspect that this variant may be pathogenic, at this time, the clinical significance of this variant is uncertain due to the absence of conclusive functional and genetic evidence.

Labcorp Genetics (formerly Invitae), Labcorp
Classification: Likely pathogenic for Niemann-Pick disease, type B; Niemann-Pick disease, type A. Last evaluated: 2026-01-16. Review status: criteria provided, single submitter. Criteria: Invitae Variant Classification Sherloc (09022015). Collection method: clinical testing. Allele origin: germline.
Comment: This sequence change replaces arginine, which is basic and polar, with histidine, which is basic and polar, at codon 610 of the SMPD1 protein (p.Arg610His). This variant is present in population databases (rs140269316, gnomAD 0.008%). This missense change has been observed in individual(s) with Parkinson’s disease (PMID: 30788890, 34867278). ClinVar contains an entry for this variant (Variation ID: 2922481). Invitae Evidence Modeling of protein sequence and biophysical properties (such as structural, functional, and spatial information, amino acid conservation, physicochemical variation, residue mobility, and thermodynamic stability) has been performed for this missense variant. However, the output from this modeling did not meet the statistical confidence thresholds required to predict the impact of this variant on SMPD1 protein function. This variant disrupts the p.Arg610 amino acid residue in SMPD1. Other variant(s) that disrupt this residue have been determined to be pathogenic (PMID: 34660203). This suggests that this residue is clinically significant, and that variants that disrupt this residue are likely to be disease-causing. In summary, the currently available evidence indicates that the variant is pathogenic, but additional data are needed to prove that conclusively. Therefore, this variant has been classified as Likely Pathogenic.

Women's Health and Genetics/Laboratory Corporation of America, LabCorp
Classification: Uncertain significance. Last evaluated: 2025-06-02. Review status: criteria provided, single submitter. Criteria: LabCorp Variant Classification Summary - May 2015. Collection method: clinical testing. Allele origin: germline.
Comment: Variant summary: SMPD1 c.1829G>A (p.Arg610His) results in a non-conservative amino acid change in the encoded protein sequence. Algorithms developed to predict the effect of missense changes on protein structure and function are either unavailable or do not agree on the potential impact of this missense change. The variant allele was found at a frequency of 2.4e-05 in 246392 control chromosomes. The available data on variant occurrences in the general population are insufficient to allow any conclusion about variant significance. c.1829G>A has been observed in individual(s) affected with SMPD1 related conditions (Zhao_2021, Alcalay_2019). These report(s) do not provide unequivocal conclusions about association of the variant with Niemann-Pick Disease Type A. To our knowledge, no experimental evidence demonstrating an impact on protein function has been reported. The following publications have been ascertained in the context of this evaluation (PMID: 30788890, 34867278). ClinVar contains an entry for this variant (Variation ID: 2922481). Based on the evidence outlined above, the variant was classified as uncertain significance.

GeneDx
Classification: Uncertain significance. Last evaluated: 2024-11-15. Review status: criteria provided, single submitter. Criteria: GeneDx Variant Classification Process June 2021. Collection method: clinical testing. Allele origin: germline. Affected: yes.
Comment: Not observed at significant frequency in large population cohorts (gnomAD); In silico analysis indicates that this missense variant does not alter protein structure/function; This variant is associated with the following publications: (PMID: 34288589, 30788890, 34867278)

Literature cited by the submitters: PubMed 30788890 (cited by Labcorp Genetics (formerly Invitae), Labcorp and Women's Health and Genetics/Laboratory Corporation of America, LabCorp); PubMed 34867278 (cited by Labcorp Genetics (formerly Invitae), Labcorp and Women's Health and Genetics/Laboratory Corporation of America, LabCorp); PubMed 34660203 (cited by Labcorp Genetics (formerly Invitae), Labcorp).

NM_000543.5(SMPD1):c.1829G>A (p.Arg610His)

Gene: SMPD1 (sphingomyelin phosphodiesterase 1; plus strand). Cytogenetic location: 11p15.4.
Variant type: single nucleotide variant.
Coding change: c.1829G>A on transcript NM_000543.5 (MANE Select); coding-DNA position 1829, G replaced by A.
Protein change: p.Arg610His; replaces arginine 610 with histidine.
Molecular consequence: missense variant. On other transcripts: 3 prime UTR variant (1), non-coding transcript variant (2).
Genome position (GRCh38, 1-based): chr11:6,394,540, G>A. VCF-style: chr11-6394540-G-A. GRCh37 (hg19) VCF-style: chr11-6415770-G-A.
Other names: c.1829G>A (NM_000543.4); c.1826G>A, p.Arg609His (NM_001007593.3); c.*322G>A (NM_001318087.2); c.908G>A, p.Arg303His (NM_001318088.2); c.1697G>A, p.Arg566His (NM_001365135.2); short protein forms R303H, R566H, R609H, R610H.
Identifiers: ClinVar variation 2922481 (VCV002922481.7), dbSNP rs140269316, ClinGen allele CA5852995.